The following is an entry in ClinVar:

NM_004415.4(DSP):c.1903G>A (p.Val635Met)

Gene: DSP (desmoplakin; plus strand). Cytogenetic location: 6p24.3.
Variant type: single nucleotide variant.
Coding change: c.1903G>A on transcript NM_004415.4 (MANE Select); coding-DNA position 1903, G replaced by A.
Protein change: p.Val635Met; replaces valine 635 with methionine.
Molecular consequence: missense variant.
Genome position (GRCh38, 1-based): chr6:7,571,584, G>A. VCF-style: chr6-7571584-G-A. GRCh37 (hg19) VCF-style: chr6-7571817-G-A.
Other names: c.1903G>A, p.Val635Met (NM_001008844.3, NM_001319034.2); short protein forms V635M.
Identifiers: ClinVar variation 4793988 (VCV004793988.1).
Genomic context (GRCh38, chr6:7,571,584, plus strand): 5'-GCCCAGAAGCATTACCAGACCCTGGTCATTCAGCTCCCTGGCTATCCCCAGCACCAGACA[G>A]GTCGGCTTGGGACATCTTTCTCTTTGTATCAACCATCCATACCATTTTAAAAAGAAGGGA-3'
Protein context (NP_004406.2, residues 625-645): QLPGYPQHQT[Val635Met]TTTEITHHGT

ClinVar aggregate classification (germline): Uncertain significance (1 of 4 stars; one submission).

Conditions:
Arrhythmogenic right ventricular dysplasia 8 (ARVD8). Also called: Arrhythmogenic Right Ventricular Dysplasia/Cardiomyopathy 8; ARRHYTHMOGENIC RIGHT VENTRICULAR DYSPLASIA, FAMILIAL, 8; ARRHYTHMOGENIC RIGHT VENTRICULAR CARDIOMYOPATHY 8. Identifiers: MedGen C1843896, MONDO:0011831, OMIM 607450.
Arrhythmogenic cardiomyopathy with wooly hair and keratoderma. Also called: PALMOPLANTAR KERATODERMA WITH LEFT VENTRICULAR CARDIOMYOPATHY AND WOOLLY HAIR; Dilated cardiomyopathy with woolly hair and keratoderma; Arrhythmogenic cardiomyopathy with woolly hair and keratoderma; Carvajal syndrome. Identifiers: Orphanet 65282, MedGen C1854063, MONDO:0011581, OMIM 605676.

Submission:

Labcorp Genetics (formerly Invitae), Labcorp
Classification: Uncertain significance for Arrhythmogenic cardiomyopathy with wooly hair and keratoderma; Arrhythmogenic right ventricular dysplasia 8. Last evaluated: 2025-12-01. Review status: criteria provided, single submitter. Criteria: Invitae Variant Classification Sherloc (09022015). Collection method: clinical testing. Allele origin: germline.
Comment: This sequence change replaces valine, which is neutral and non-polar, with methionine, which is neutral and non-polar, at codon 635 of the DSP protein (p.Val635Met). This variant also falls at the last nucleotide of exon 14, which is part of the consensus splice site for this exon. This variant is not present in population databases (gnomAD no frequency). This variant has not been reported in the literature in individuals affected with DSP-related conditions. An algorithm developed to predict the effect of missense changes on protein structure and function (PolyPhen-2) suggests that this variant is likely to be tolerated. Variants that disrupt the consensus splice site are a relatively common cause of aberrant splicing (PMID: 17576681, 9536098). Algorithms developed to predict the effect of sequence changes on RNA splicing suggest that this variant may disrupt the consensus splice site. In summary, the available evidence is currently insufficient to determine the role of this variant in disease. Therefore, it has been classified as a Variant of Uncertain Significance.

Literature cited by the submitters: PubMed 17576681; PubMed 9536098.